The following is an entry in ClinVar:

ClinVar aggregate classification (germline): Likely pathogenic (0 of 4 stars; one submission).

Conditions:
Angelman syndrome (AS). Also called: HAPPY PUPPET SYNDROME. Identifiers: Orphanet 72, MedGen C0162635, MONDO:0007113, OMIM 105830. Disease mechanism: loss of function. Inheritance: AS is caused by disruption of maternally imprinted UBE3A located within the 15q11.2-q13 Angelman syndrome/Prader-Willi syndrome (AS/PWS) region., imprinting disorder.

Submission:

Baylor Genetics
Classification: Likely pathogenic for Angelman Syndrome. Last evaluated: 2014-02-14. Review status: no assertion criteria provided. Collection method: clinical testing. Allele origin: maternal. Affected: yes. Observed: 1 variant allele. Study: UBE3A Mutation Study.
Comment: Data collected from clinical UBE3A sequence analysis results

Literature cited by the submitters: PubMed 25212744.

NM_130839.5(UBE3A):c.1490G>C (p.Arg497Pro)

Genes: SNHG14 (small nucleolar RNA host gene 14; plus strand), UBE3A (ubiquitin protein ligase E3A; minus strand). Cytogenetic location: 15q11.2.
Variant type: single nucleotide variant.
Coding change: c.1490G>C on transcript NM_130839.5 (MANE Select); coding-DNA position 1490, G replaced by C.
Protein change: p.Arg497Pro; replaces arginine 497 with proline.
Molecular consequence: missense variant. On other transcripts: non-coding transcript variant (1), intron variant (2).
Genome position (GRCh38, 1-based): chr15:25,370,684, C>G on the plus strand (G>C on the coding strand, the complement: UBE3A is on the minus strand). VCF-style: chr15-25370684-C-G. GRCh37 (hg19) VCF-style: chr15-25615831-C-G.
Other names: c.1499G>C, p.Arg500Pro (NM_000462.5); c.1490G>C, p.Arg497Pro (NM_001354505.1, NM_001354538.2, NM_001354545.2); c.1430G>C, p.Arg477Pro (NM_001354506.2, NM_001354507.2, NM_001354508.2 and 17 more transcripts); c.1313G>C, p.Arg438Pro (NM_001354546.2); c.301+4781G>C (NM_001354551.2); c.361+4781G>C (NM_001354550.2); short protein forms R477P, R497P, R500P, R438P.
Identifiers: ClinVar variation 155997 (VCV000155997.1), dbSNP rs587781243, ClinGen allele CA333399.